The following is an entry in ClinVar:

ClinVar aggregate classification (germline): Uncertain significance (1 of 4 stars; one submission).

Conditions:
Hereditary cancer-predisposing syndrome. Also called: Neoplastic Syndromes, Hereditary; Tumor predisposition; Hereditary neoplastic syndrome; Hereditary Cancer Syndrome. Identifiers: Orphanet 140162, MedGen C0027672, MeSH D009386, MONDO:0015356.

Allele frequency attached by ClinVar (database versions not stated): gnomAD exomes below 0.00001; ExAC 0.00002.
gnomAD v4.1: 3 of 1,614,090 alleles (0.00019%); highest among the groups gnomAD compares: Non-Finnish European, 0.00025%; no homozygotes.

Submission:

Ambry Genetics
Classification: Uncertain significance for Hereditary cancer-predisposing syndrome. Last evaluated: 2024-02-25. Review status: criteria provided, single submitter. Criteria: Ambry Variant Classification Scheme 2023. Collection method: clinical testing. Allele origin: germline.
Comment: The p.P382S variant (also known as c.1144C>T), located in coding exon 9 of the SUFU gene, results from a C to T substitution at nucleotide position 1144. The proline at codon 382 is replaced by serine, an amino acid with similar properties. This amino acid position is conserved. In addition, the in silico prediction for this alteration is inconclusive. Based on the available evidence, the clinical significance of this alteration remains unclear.

NM_016169.4(SUFU):c.1144C>T (p.Pro382Ser)

Gene: SUFU (SUFU negative regulator of hedgehog signaling; plus strand). Cytogenetic location: 10q24.32.
Variant type: single nucleotide variant.
Coding change: c.1144C>T on transcript NM_016169.4 (MANE Select); coding-DNA position 1144, C replaced by T.
Protein change: p.Pro382Ser; replaces proline 382 with serine.
Molecular consequence: missense variant.
Genome position (GRCh38, 1-based): chr10:102,615,389, C>T. VCF-style: chr10-102615389-C-T. GRCh37 (hg19) VCF-style: chr10-104375146-C-T.
Other names: c.1144C>T, p.Pro382Ser (NM_001178133.2); short protein forms P382S.
Identifiers: ClinVar variation 3226858 (VCV003226858.1), dbSNP rs768377755, ClinGen allele CA5667875.